The following is an entry in ClinVar:

ClinVar aggregate classification (germline): Uncertain significance (1 of 4 stars; one submission).

Conditions:
Epileptic encephalopathy. Identifiers: MedGen C0543888, HP:0200134.

Allele frequency attached by ClinVar (database versions not stated): gnomAD exomes 0.00001 and 0.00002; ExAC 0.00002; TOPMed 0.00004; gnomAD 0.00005 and 0.00006; ESP Exome Variant Server 0.00008; 1000 Genomes Project 30x 0.00016; 1000 Genomes Project 0.00020.
gnomAD v4.1: 21 of 1,612,768 alleles (0.0013%); highest among the groups gnomAD compares: African/African-American, 0.023%; no homozygotes.

Submission:

Labcorp Genetics (formerly Invitae), Labcorp
Classification: Uncertain significance for Epileptic encephalopathy. Last evaluated: 2025-08-10. Review status: criteria provided, single submitter. Criteria: Invitae Variant Classification Sherloc (09022015). Collection method: clinical testing. Allele origin: germline.
Comment: This sequence change replaces valine, which is neutral and non-polar, with leucine, which is neutral and non-polar, at codon 954 of the FASN protein (p.Val954Leu). This variant is present in population databases (rs375736977, gnomAD 0.02%). This variant has not been reported in the literature in individuals affected with FASN-related conditions. ClinVar contains an entry for this variant (Variation ID: 962616). An algorithm developed to predict the effect of missense changes on protein structure and function (PolyPhen-2) suggests that this variant is likely to be tolerated. In summary, the available evidence is currently insufficient to determine the role of this variant in disease. Therefore, it has been classified as a Variant of Uncertain Significance.

NM_004104.5(FASN):c.2860G>C (p.Val954Leu)

Gene: FASN (fatty acid synthase; minus strand). Cytogenetic location: 17q25.3.
Variant type: single nucleotide variant.
Coding change: c.2860G>C on transcript NM_004104.5 (MANE Select); coding-DNA position 2860, G replaced by C.
Protein change: p.Val954Leu; replaces valine 954 with leucine.
Molecular consequence: missense variant.
Genome position (GRCh38, 1-based): chr17:82,087,960, C>G on the plus strand (G>C on the coding strand, the complement: FASN is on the minus strand). VCF-style: chr17-82087960-C-G. GRCh37 (hg19) VCF-style: chr17-80045836-C-G.
Other names: short protein forms V954L.
Identifiers: ClinVar variation 962616 (VCV000962616.10), dbSNP rs375736977, ClinGen allele CA8852619.
Genomic context (GRCh38, chr17:82,087,960, plus strand): 5'-GGCATGGCCAGCGGGCACAGCCTCCGCAGCTCCCGTGCCACCGGCCCTGCTTACCACTCA[C>G]TACCAGGTTGCCGTTCTCTGACACCTCGAAGGCACGGGAGGCCTCCAGGAGCCGTACCTC-3'
Protein context (NP_004095.4, residues 944-964): FEVSENGNLV[Val954Leu]SGKVYQWDDP